The following is an entry in ClinVar:

NM_001283009.2(RTEL1):c.2729C>G (p.Ala910Gly)

Genes: RTEL1 (regulator of telomere elongation helicase 1; plus strand), RTEL1-TNFRSF6B (RTEL1-TNFRSF6B readthrough (NMD candidate); plus strand). Cytogenetic location: 20q13.33.
Variant type: single nucleotide variant.
Coding change: c.2729C>G on transcript NM_001283009.2 (MANE Select); coding-DNA position 2729, C replaced by G.
Protein change: p.Ala910Gly; replaces alanine 910 with glycine.
Molecular consequence: missense variant. On other transcripts: non-coding transcript variant (1).
Genome position (GRCh38, 1-based): chr20:63,692,881, C>G. VCF-style: chr20-63692881-C-G. GRCh37 (hg19) VCF-style: chr20-62324234-C-G.
Other names: c.2060C>G, p.Ala687Gly (NM_001283010.1); c.2729C>G, p.Ala910Gly (NM_016434.4); c.2801C>G, p.Ala934Gly (NM_032957.5); short protein forms A687G, A910G, A934G.
Identifiers: ClinVar variation 4629578 (VCV004629578.2).

ClinVar aggregate classification (germline): Uncertain significance. Review status: criteria provided, multiple submitters, no conflicts (2 of 4 stars). 2 submissions from 2 submitters: Uncertain significance (2). Last evaluated 2025-10-28.

Conditions:
Inborn genetic diseases. Identifiers: MedGen C0950123, MeSH D030342.
Dyskeratosis congenita, autosomal recessive 5 (DKCB5). Identifiers: MedGen C3554656, MONDO:0014076, OMIM 615190.
Pulmonary fibrosis and/or bone marrow failure, Telomere-related, 3. Also called: PULMONARY FIBROSIS AND/OR BONE MARROW FAILURE SYNDROME, TELOMERE-RELATED, 3. Identifiers: Orphanet 2032, MedGen C4225346, MONDO:0014613, OMIM 616373.

gnomAD v4.1: 5 of 1,612,520 alleles (0.00031%); highest among the groups gnomAD compares: African/African-American, 0.0027%; no homozygotes.

Submissions (2):

Ambry Genetics
Classification: Uncertain significance for Inborn genetic diseases. Last evaluated: 2025-10-28. Review status: criteria provided, single submitter. Criteria: Ambry Variant Classification Scheme 2023. Collection method: clinical testing. Allele origin: germline.
Comment: The p.A910G variant (also known as c.2729C>G), located in coding exon 28 of the RTEL1 gene, results from a C to G substitution at nucleotide position 2729. The alanine at codon 910 is replaced by glycine, an amino acid with similar properties. This amino acid position is conserved. In addition, the in silico prediction for this alteration is inconclusive. Based on the available evidence, the clinical significance of this variant remains unclear.

Labcorp Genetics (formerly Invitae), Labcorp
Classification: Uncertain significance for Dyskeratosis congenita, autosomal recessive 5; Pulmonary fibrosis and/or bone marrow failure, Telomere-related, 3. Last evaluated: 2025-08-25. Review status: criteria provided, single submitter. Criteria: Invitae Variant Classification Sherloc (09022015). Collection method: clinical testing. Allele origin: germline.
Comment: This sequence change replaces alanine, which is neutral and non-polar, with glycine, which is neutral and non-polar, at codon 910 of the RTEL1 protein (p.Ala910Gly). This variant is not present in population databases (gnomAD no frequency). This variant has not been reported in the literature in individuals affected with RTEL1-related conditions. An algorithm developed to predict the effect of missense changes on protein structure and function (PolyPhen-2) suggests that this variant is likely to be disruptive. In summary, the available evidence is currently insufficient to determine the role of this variant in disease. Therefore, it has been classified as a Variant of Uncertain Significance.